The following is an entry in ClinVar:

NM_182961.4(SYNE1):c.1984G>A (p.Asp662Asn)

Gene: SYNE1 (spectrin repeat containing nuclear envelope protein 1; minus strand). Cytogenetic location: 6q25.2.
Variant type: single nucleotide variant.
Coding change: c.1984G>A on transcript NM_182961.4 (MANE Select); coding-DNA position 1984, G replaced by A.
Protein change: p.Asp662Asn; replaces aspartic acid 662 with asparagine.
Molecular consequence: missense variant.
Genome position (GRCh38, 1-based): chr6:152,463,466, C>T on the plus strand (G>A on the coding strand, the complement: SYNE1 is on the minus strand). VCF-style: chr6-152463466-C-T. GRCh37 (hg19) VCF-style: chr6-152784601-C-T.
Other names: c.2005G>A, p.Asp669Asn (NM_033071.5); short protein forms D669N, D662N.
Identifiers: ClinVar variation 1491823 (VCV001491823.8), dbSNP rs755573339, ClinGen allele CA4059254.

ClinVar aggregate classification (germline): Uncertain significance (1 of 4 stars; one submission).

Conditions:
Autosomal recessive ataxia, Beauce type. Also called: SYNE1-Related Autosomal Recessive Cerebellar Ataxia; Spinocerebellar ataxia, autosomal recessive 8; ATAXIA, RECESSIVE, OF BEAUCE; SYNE1 Deficiency. Identifiers: Orphanet 88644, MedGen C1853116, MONDO:0012549, OMIM 610743.
Emery-Dreifuss muscular dystrophy 4, autosomal dominant (EDMD4). Also called: EMERY-DREIFUSS MUSCULAR DYSTROPHY 4 WITH VARIABLE FEATURES. Identifiers: Orphanet 261, MedGen C2751807, MONDO:0013071, OMIM 612998.

Allele frequency attached by ClinVar (database versions not stated): ExAC 0.00001; gnomAD 0.00001; gnomAD exomes 0.00001; TOPMed 0.00002.
gnomAD v4.1: 9 of 1,613,526 alleles (0.00056%); highest among the groups gnomAD compares: Admixed American, 0.0017%; no homozygotes.

Submission:

Labcorp Genetics (formerly Invitae), Labcorp
Classification: Uncertain significance for Emery-Dreifuss muscular dystrophy 4, autosomal dominant; Autosomal recessive ataxia, Beauce type. Last evaluated: 2024-10-30. Review status: criteria provided, single submitter. Criteria: Invitae Variant Classification Sherloc (09022015). Collection method: clinical testing. Allele origin: germline.
Comment: This sequence change replaces aspartic acid, which is acidic and polar, with asparagine, which is neutral and polar, at codon 669 of the SYNE1 protein (p.Asp669Asn). This variant is present in population databases (rs755573339, gnomAD 0.002%). This variant has not been reported in the literature in individuals affected with SYNE1-related conditions. ClinVar contains an entry for this variant (Variation ID: 1491823). An algorithm developed to predict the effect of missense changes on protein structure and function (PolyPhen-2) suggests that this variant is likely to be disruptive. In summary, the available evidence is currently insufficient to determine the role of this variant in disease. Therefore, it has been classified as a Variant of Uncertain Significance.